The following is an entry in ClinVar:

NM_001370298.3(FGD4):c.2046+221T>A

Gene: FGD4 (FYVE, RhoGEF and PH domain containing 4; plus strand). Cytogenetic location: 12p11.21.
Variant type: single nucleotide variant.
Coding change: c.2046+221T>A on transcript NM_001370298.3 (MANE Select); 221 bases into the intron after coding-DNA position 2046, T replaced by A.
Molecular consequence: intron variant.
Genome position (GRCh38, 1-based): chr12:32,625,289, T>A. VCF-style: chr12-32625289-T-A. GRCh37 (hg19) VCF-style: chr12-32778223-T-A.
Other names: c.2046+221T>A (NM_001384126.1); c.1890+221T>A (NM_001304481.2); c.1356+221T>A (NM_001330374.2, NM_001330373.2, NM_001384130.1); c.1635+221T>A (NM_139241.3, NM_001384127.1, NM_001385118.1 and 1 more transcripts); c.603+221T>A (NM_001304484.2); c.1083+221T>A (NM_001370297.1); c.891+221T>A (NM_001304483.2).
Identifiers: ClinVar variation 672261 (VCV000672261.1), dbSNP rs12303795, ClinGen allele CA235235942.
Genomic context (GRCh38, chr12:32,625,289, plus strand): 5'-ACTTTTCATTCTACTTGAACTTCTTTGAATTTTTCTTATTCTTTTTTTTTTTTTTTTTTT[T>A]AACAGAGTCTTGCTCTGTCACCCAAGCTGGAGTGCAGTGACACAGTCTTGGCTCACTGCA-3'

ClinVar aggregate classification (germline): Likely benign (1 of 4 stars; one submission).

Allele frequency attached by ClinVar (database versions not stated): gnomAD 0.00317 and 0.00342.
gnomAD v4.1: 453 of 143,838 alleles (0.31%); highest among the groups gnomAD compares: Middle Eastern, 1.1%; 2 homozygotes.

Submission:

GeneDx
Classification: Likely benign. Last evaluated: 2018-06-19. Review status: criteria provided, single submitter. Criteria: GeneDx Variant Classification (06012015). Collection method: clinical testing. Allele origin: germline. Affected: yes.
Comment: This variant is considered likely benign or benign based on one or more of the following criteria: it is a conservative change, it occurs at a poorly conserved position in the protein, it is predicted to be benign by multiple in silico algorithms, and/or has population frequency not consistent with disease.